The following is an entry in ClinVar:

ClinVar aggregate classification (germline): Uncertain significance. Review status: criteria provided, multiple submitters, no conflicts (2 of 4 stars). 2 submissions from 2 submitters: Uncertain significance (2). Last evaluated 2025-11-26.

Conditions:
Inborn genetic diseases. Identifiers: MedGen C0950123, MeSH D030342.

Allele frequency attached by ClinVar (database versions not stated): TOPMed below 0.00001; gnomAD 0.00001; gnomAD exomes 0.00001.
gnomAD v4.1: 22 of 1,613,774 alleles (0.0014%); highest among the groups gnomAD compares: Non-Finnish European, 0.0017%; no homozygotes.

Submissions (2):

Ambry Genetics
Classification: Uncertain significance for Inborn genetic diseases. Last evaluated: 2025-11-26. Review status: criteria provided, single submitter. Criteria: Ambry Variant Classification Scheme 2023. Collection method: clinical testing. Allele origin: germline.

Labcorp Genetics (formerly Invitae), Labcorp
Classification: Uncertain significance. Last evaluated: 2022-07-18. Review status: criteria provided, single submitter. Criteria: Invitae Variant Classification Sherloc (09022015). Collection method: clinical testing. Allele origin: germline.
Comment: In summary, the available evidence is currently insufficient to determine the role of this variant in disease. Therefore, it has been classified as a Variant of Uncertain Significance. Algorithms developed to predict the effect of missense changes on protein structure and function are either unavailable or do not agree on the potential impact of this missense change (SIFT: "Deleterious"; PolyPhen-2: "Probably Damaging"; Align-GVGD: "Class C0"). ClinVar contains an entry for this variant (Variation ID: 1487738). This variant has not been reported in the literature in individuals affected with SMARCD2-related conditions. This variant is not present in population databases (gnomAD no frequency). This sequence change replaces glutamine, which is neutral and polar, with arginine, which is basic and polar, at codon 181 of the SMARCD2 protein (p.Gln181Arg).

NM_001098426.2(SMARCD2):c.542A>G (p.Gln181Arg)

Gene: SMARCD2 (SWI/SNF related BAF chromatin remodeling complex subunit D2; minus strand). Cytogenetic location: 17q23.3.
Variant type: single nucleotide variant.
Coding change: c.542A>G on transcript NM_001098426.2 (MANE Select); coding-DNA position 542, A replaced by G.
Protein change: p.Gln181Arg; replaces glutamine 181 with arginine.
Molecular consequence: missense variant.
Genome position (GRCh38, 1-based): chr17:63,836,947, T>C on the plus strand (A>G on the coding strand, the complement: SMARCD2 is on the minus strand). VCF-style: chr17-63836947-T-C. GRCh37 (hg19) VCF-style: chr17-61914307-T-C.
Other names: c.317A>G, p.Gln106Arg (NM_001330439.1); c.398A>G, p.Gln133Arg (NM_001330440.2); c.542A>G (NM_001098426.1); short protein forms Q181R, Q106R, Q133R.
Identifiers: ClinVar variation 1487738 (VCV001487738.9), dbSNP rs911372918, ClinGen allele CA292954300.